The following is an entry in ClinVar:

NM_001734.5(C1S):c.1455G>A (p.Met485Ile)

Gene: C1S (complement C1s; plus strand). Cytogenetic location: 12p13.31.
Variant type: single nucleotide variant.
Coding change: c.1455G>A on transcript NM_001734.5 (MANE Select); coding-DNA position 1455, G replaced by A.
Protein change: p.Met485Ile; replaces methionine 485 with isoleucine.
Molecular consequence: missense variant.
Genome position (GRCh38, 1-based): chr12:7,070,039, G>A. VCF-style: chr12-7070039-G-A. GRCh37 (hg19) VCF-style: chr12-7177343-G-A.
Other names: c.954G>A, p.Met318Ile (NM_001346850.2); c.1455G>A, p.Met485Ile (NM_201442.4); short protein forms M485I, M318I.
Identifiers: ClinVar variation 1438295 (VCV001438295.8), dbSNP rs1937801788, ClinGen allele CA383704461.

ClinVar aggregate classification (germline): Uncertain significance (1 of 4 stars; one submission).

Allele frequency attached by ClinVar (database versions not stated): gnomAD exomes 0.00001.
gnomAD v4.1: 3 of 1,614,064 alleles (0.00019%); highest among the groups gnomAD compares: East Asian, 0.0022%; no homozygotes.

Submission:

Labcorp Genetics (formerly Invitae), Labcorp
Classification: Uncertain significance. Last evaluated: 2021-07-14. Review status: criteria provided, single submitter. Criteria: Invitae Variant Classification Sherloc (09022015). Collection method: clinical testing. Allele origin: germline.
Comment: This sequence change replaces methionine with isoleucine at codon 485 of the C1S protein (p.Met485Ile). The methionine residue is highly conserved and there is a small physicochemical difference between methionine and isoleucine. This variant is not present in population databases (ExAC no frequency). This variant has not been reported in the literature in individuals affected with C1S-related conditions. Algorithms developed to predict the effect of missense changes on protein structure and function are either unavailable or do not agree on the potential impact of this missense change (SIFT: "Deleterious"; PolyPhen-2: "Benign"; Align-GVGD: "Class C0"). In summary, the available evidence is currently insufficient to determine the role of this variant in disease. Therefore, it has been classified as a Variant of Uncertain Significance.